The following is an entry in ClinVar:

NM_000388.4(CASR):c.2971A>C (p.Asn991His)

Gene: CASR (calcium sensing receptor; plus strand). Cytogenetic location: 3q21.1.
Variant type: single nucleotide variant.
Coding change: c.2971A>C on transcript NM_000388.4 (MANE Select); coding-DNA position 2971, A replaced by C.
Protein change: p.Asn991His; replaces asparagine 991 with histidine.
Molecular consequence: missense variant.
Genome position (GRCh38, 1-based): chr3:122,284,925, A>C. VCF-style: chr3-122284925-A-C. GRCh37 (hg19) VCF-style: chr3-122003772-A-C.
Other names: c.3001A>C, p.Asn1001His (NM_001178065.2); short protein forms N991H, N1001H.
Identifiers: ClinVar variation 463940 (VCV000463940.5), dbSNP rs1553769276, ClinGen allele CA354161172.

ClinVar aggregate classification (germline): Uncertain significance (1 of 4 stars; one submission).

Conditions:
Familial hypocalciuric hypercalcemia (FHH). Also called: Familial benign hypercalcemia. Identifiers: Orphanet 405, MedGen C1809471, MONDO:0018458.
Autosomal dominant hypocalcemia 1 (HYPOC1). Also called: HYPOCALCEMIA, FAMILIAL. Identifiers: MedGen C3715128, MONDO:0011013, OMIM 601198.

Submission:

Labcorp Genetics (formerly Invitae), Labcorp
Classification: Uncertain significance for Familial hypocalciuric hypercalcemia; Autosomal dominant hypocalcemia 1. Last evaluated: 2022-03-06. Review status: criteria provided, single submitter. Criteria: Invitae Variant Classification Sherloc (09022015). Collection method: clinical testing. Allele origin: germline.
Comment: This sequence change replaces asparagine, which is neutral and polar, with histidine, which is basic and polar, at codon 991 of the CASR protein (p.Asn991His). This variant is not present in population databases (gnomAD no frequency). This variant has not been reported in the literature in individuals affected with CASR-related conditions. ClinVar contains an entry for this variant (Variation ID: 463940). Algorithms developed to predict the effect of missense changes on protein structure and function output the following: SIFT: "Deleterious"; PolyPhen-2: "Benign"; Align-GVGD: "Class C0". The histidine amino acid residue is found in multiple mammalian species, which suggests that this missense change does not adversely affect protein function. In summary, the available evidence is currently insufficient to determine the role of this variant in disease. Therefore, it has been classified as a Variant of Uncertain Significance.